The following is an entry in ClinVar:

NM_002485.5(NBN):c.1637G>C (p.Arg546Thr)

Gene: NBN (nibrin; minus strand). Cytogenetic location: 8q21.3.
Variant type: single nucleotide variant.
Coding change: c.1637G>C on transcript NM_002485.5 (MANE Select); coding-DNA position 1637, G replaced by C.
Protein change: p.Arg546Thr; replaces arginine 546 with threonine.
Molecular consequence: missense variant.
Genome position (GRCh38, 1-based): chr8:89,953,452, C>G on the plus strand (G>C on the coding strand, the complement: NBN is on the minus strand). VCF-style: chr8-89953452-C-G. GRCh37 (hg19) VCF-style: chr8-90965680-C-G.
Other names: c.1391G>C, p.Arg464Thr (NM_001024688.3); short protein forms R546T, R464T.
Identifiers: ClinVar variation 530720 (VCV000530720.8), dbSNP rs1360502904, ClinGen allele CA371655431.

ClinVar aggregate classification (germline): Uncertain significance. Review status: criteria provided, multiple submitters, no conflicts (2 of 4 stars). 2 submissions from 2 submitters: Uncertain significance (2). Last evaluated 2023-07-03.

Conditions:
Hereditary cancer-predisposing syndrome. Also called: Neoplastic Syndromes, Hereditary; Hereditary neoplastic syndrome; Tumor predisposition; Hereditary Cancer Syndrome. Identifiers: Orphanet 140162, MedGen C0027672, MeSH D009386, MONDO:0015356.
Microcephaly, normal intelligence and immunodeficiency (NBS). Also called: Immunodeficiency, microcephaly with normal intelligence; Ataxia telangiectasia variant V1; IMMUNODEFICIENCY, MICROCEPHALY, AND CHROMOSOMAL INSTABILITY; BERLIN BREAKAGE SYNDROME; SEEMANOVA SYNDROME II; Nijmegen breakage syndrome. Identifiers: Orphanet 647, MedGen C0398791, MONDO:0009623, OMIM 251260.

Allele frequency attached by ClinVar (database versions not stated): gnomAD exomes below 0.00001.
gnomAD v4.1: 1 of 1,613,530 alleles (0.000062%); highest among the groups gnomAD compares: Non-Finnish European, 0.000085%; no homozygotes.

Submissions (2):

Ambry Genetics
Classification: Uncertain significance for Hereditary cancer-predisposing syndrome. Last evaluated: 2023-07-03. Review status: criteria provided, single submitter. Criteria: Ambry Variant Classification Scheme 2023. Collection method: clinical testing. Allele origin: germline.
Comment: The p.R546T variant (also known as c.1637G>C), located in coding exon 11 of the NBN gene, results from a G to C substitution at nucleotide position 1637. The arginine at codon 546 is replaced by threonine, an amino acid with similar properties. This amino acid position is not well conserved in available vertebrate species. In addition, this alteration is predicted to be tolerated by in silico analysis. Since supporting evidence is limited at this time, the clinical significance of this alteration remains unclear.

Labcorp Genetics (formerly Invitae), Labcorp
Classification: Uncertain significance for Microcephaly, normal intelligence and immunodeficiency. Last evaluated: 2021-09-02. Review status: criteria provided, single submitter. Criteria: Invitae Variant Classification Sherloc (09022015). Collection method: clinical testing. Allele origin: germline.
Comment: This sequence change replaces arginine with threonine at codon 546 of the NBN protein (p.Arg546Thr). The arginine residue is weakly conserved and there is a moderate physicochemical difference between arginine and threonine. This variant is not present in population databases (ExAC no frequency). This variant has not been reported in the literature in individuals affected with NBN-related conditions. Algorithms developed to predict the effect of missense changes on protein structure and function (SIFT, PolyPhen-2, Align-GVGD) all suggest that this variant is likely to be tolerated. In summary, the available evidence is currently insufficient to determine the role of this variant in disease. Therefore, it has been classified as a Variant of Uncertain Significance.